The following is an entry in ClinVar:

ClinVar aggregate classification (germline): Uncertain significance (0 of 4 stars; one submission).

Conditions:
LEPR-related disorder. Also called: LEPR-related condition; LEPR-related disorders.

gnomAD v4.1: 5 of 1,600,240 alleles (0.00031%); highest among the groups gnomAD compares: Admixed American, 0.0085%; no homozygotes.

Submission:

PreventionGenetics, part of Exact Sciences
Classification: Uncertain significance for LEPR-related condition. Last evaluated: 2024-02-01. Review status: no assertion criteria provided. Collection method: clinical testing. Allele origin: germline.
Comment: The LEPR c.412A>C variant is predicted to result in the amino acid substitution p.Lys138Gln. This variant was observed in a cohort of individuals with obesity, and in vitro functional studies showed function similar to wild-type levels (Supplemental Data Set, Shah et al. 2023. PubMed ID: 36864747). This variant is reported in 0.015% of alleles in individuals of Latino descent in gnomAD. At this time, the clinical significance of this variant is uncertain due to the absence of conclusive functional and genetic evidence.

NM_002303.6(LEPR):c.412A>C (p.Lys138Gln)

Gene: LEPR (leptin receptor; plus strand). Cytogenetic location: 1p31.3.
Variant type: single nucleotide variant.
Coding change: c.412A>C on transcript NM_002303.6 (MANE Select); coding-DNA position 412, A replaced by C.
Protein change: p.Lys138Gln; replaces lysine 138 with glutamine.
Molecular consequence: missense variant.
Genome position (GRCh38, 1-based): chr1:65,572,367, A>C. VCF-style: chr1-65572367-A-C. GRCh37 (hg19) VCF-style: chr1-66038050-A-C.
Other names: c.412A>C, p.Lys138Gln (NM_001003679.3, NM_001003680.3, NM_001198687.2 and 2 more transcripts); short protein forms K138Q.
Identifiers: ClinVar variation 3356426 (VCV003356426.1).